The following is an entry in ClinVar:

NM_138927.4(SON):c.5859A>C (p.Pro1953=)

Gene: SON (SON DNA and RNA binding protein; plus strand). Cytogenetic location: 21q22.11.
Variant type: single nucleotide variant.
Coding change: c.5859A>C on transcript NM_138927.4 (MANE Select); coding-DNA position 5859, A replaced by C.
Protein change: p.Pro1953=; no amino-acid change (proline 1953 retained).
Molecular consequence: synonymous variant. On other transcripts: non-coding transcript variant (1), intron variant (1).
Genome position (GRCh38, 1-based): chr21:33,555,090, A>C. VCF-style: chr21-33555090-A-C. GRCh37 (hg19) VCF-style: chr21-34927396-A-C.
Other names: c.5859A>C, p.Pro1953= (NM_001291411.2, NM_001412133.1, NM_032195.3 and 2 more transcripts); c.245-2066A>C (NM_001291412.3).
Identifiers: ClinVar variation 2187300 (VCV002187300.8), dbSNP rs202027184, ClinGen allele CA10009819.

ClinVar aggregate classification (germline): Likely benign. Review status: criteria provided, multiple submitters, no conflicts (2 of 4 stars). 2 submissions from 2 submitters: Likely benign (2). Last evaluated 2026-02-01.

Allele frequency attached by ClinVar (database versions not stated): gnomAD exomes 0.00003; gnomAD 0.00005; TOPMed 0.00006.
gnomAD v4.1: 24 of 1,583,630 alleles (0.0015%); highest among the groups gnomAD compares: African/African-American, 0.0069%; no homozygotes.

Submissions (2):

CeGaT Center for Human Genetics Tuebingen
Classification: Likely benign. Last evaluated: 2026-02-01. Review status: criteria provided, single submitter. Criteria: CeGaT Center For Human Genetics Tuebingen Variant Classification Criteria Version 2. Collection method: clinical testing. Allele origin: germline. Affected: yes. Observed: 1 variant allele.
Comment: SON: BP4, BP7

Labcorp Genetics (formerly Invitae), Labcorp
Classification: Likely benign. Last evaluated: 2024-08-31. Review status: criteria provided, single submitter. Criteria: Invitae Variant Classification Sherloc (09022015). Collection method: clinical testing. Allele origin: germline.